The following is an entry in ClinVar:

ClinVar aggregate classification (germline): Uncertain significance (1 of 4 stars; one submission).

Conditions:
Perlman syndrome (PRLMNS). Identifiers: Orphanet 2849, MedGen C0796113, MONDO:0009965, OMIM 267000.

Allele frequency attached by ClinVar (database versions not stated): gnomAD exomes below 0.00001.
gnomAD v4.1: 2 of 1,550,854 alleles (0.00013%); highest among the groups gnomAD compares: East Asian, 0.0049%; no homozygotes.

Submission:

Labcorp Genetics (formerly Invitae), Labcorp
Classification: Uncertain significance for Perlman syndrome. Last evaluated: 2022-02-19. Review status: criteria provided, single submitter. Criteria: Invitae Variant Classification Sherloc (09022015). Collection method: clinical testing. Allele origin: germline.
Comment: In summary, the available evidence is currently insufficient to determine the role of this variant in disease. Therefore, it has been classified as a Variant of Uncertain Significance. Algorithms developed to predict the effect of missense changes on protein structure and function (SIFT, PolyPhen-2, Align-GVGD) all suggest that this variant is likely to be tolerated. This variant has not been reported in the literature in individuals affected with DIS3L2-related conditions. This variant is not present in population databases (gnomAD no frequency). This sequence change replaces lysine, which is basic and polar, with arginine, which is basic and polar, at codon 813 of the DIS3L2 protein (p.Lys813Arg).

NM_152383.5(DIS3L2):c.2438A>G (p.Lys813Arg)

Gene: DIS3L2 (DIS3 like 3'-5' exoribonuclease 2; plus strand). Cytogenetic location: 2q37.1.
Variant type: single nucleotide variant.
Coding change: c.2438A>G on transcript NM_152383.5 (MANE Select); coding-DNA position 2438, A replaced by G.
Protein change: p.Lys813Arg; replaces lysine 813 with arginine.
Molecular consequence: missense variant. On other transcripts: non-coding transcript variant (2), intron variant (1).
Genome position (GRCh38, 1-based): chr2:232,335,816, A>G. VCF-style: chr2-232335816-A-G. GRCh37 (hg19) VCF-style: chr2-233200526-A-G.
Other names: c.1582-7529A>G (NM_001257281.2); short protein forms K813R.
Identifiers: ClinVar variation 1496961 (VCV001496961.6), dbSNP rs2106356333, ClinGen allele CA350978229.